The following is an entry in ClinVar:

ClinVar aggregate classification (germline): Uncertain significance (1 of 4 stars; one submission).

Conditions:
Hereditary sensory and autonomic neuropathy type 6. Also called: HSAN VI; Neuropathy, hereditary sensory and autonomic, type VI. Identifiers: Orphanet 314381, MedGen C3539003, MONDO:0013839, OMIM 614653.
Epidermolysis bullosa simplex 3, localized or generalized intermediate, with BP230 deficiency (EBS3). Also called: Epidermolysis bullosa simplex, autosomal recessive 2; Epidermolysis bullosa simplex due to BP230 deficiency. Identifiers: Orphanet 412181, MedGen C3809470, MONDO:0014180, OMIM 615425.

Allele frequency attached by ClinVar (database versions not stated): gnomAD exomes below 0.00001; TOPMed below 0.00001; gnomAD 0.00001.
gnomAD v4.1: 3 of 1,613,732 alleles (0.00019%); highest among the groups gnomAD compares: Non-Finnish European, 0.00025%; no homozygotes.

Submission:

Labcorp Genetics (formerly Invitae), Labcorp
Classification: Uncertain significance for Epidermolysis bullosa simplex 3, localized or generalized intermediate, with BP230 deficiency; Hereditary sensory and autonomic neuropathy type 6. Last evaluated: 2024-05-22. Review status: criteria provided, single submitter. Criteria: Invitae Variant Classification Sherloc (09022015). Collection method: clinical testing. Allele origin: germline.
Comment: This sequence change replaces glycine, which is neutral and non-polar, with glutamic acid, which is acidic and polar, at codon 2049 of the DST protein (p.Gly2049Glu). This variant is present in population databases (no rsID available, gnomAD 0.01%). This variant has not been reported in the literature in individuals affected with DST-related conditions. ClinVar contains an entry for this variant (Variation ID: 1467555). An algorithm developed to predict the effect of missense changes on protein structure and function (PolyPhen-2) suggests that this variant is likely to be tolerated. In summary, the available evidence is currently insufficient to determine the role of this variant in disease. Therefore, it has been classified as a Variant of Uncertain Significance.

NM_001723.7(DST):c.6146G>A (p.Gly2049Glu)

Gene: DST (dystonin; minus strand). Cytogenetic location: 6p12.1.
Variant type: single nucleotide variant.
Coding change: c.6146G>A on transcript NM_001723.7 (MANE Plus Clinical); coding-DNA position 6146, G replaced by A.
Protein change: p.Gly2049Glu; replaces glycine 2049 with glutamic acid.
Molecular consequence: missense variant. On other transcripts: intron variant (10).
Genome position (GRCh38, 1-based): chr6:56,617,321, C>T on the plus strand (G>A on the coding strand, the complement: DST is on the minus strand). VCF-style: chr6-56617321-C-T. GRCh37 (hg19) VCF-style: chr6-56482119-C-T.
Other names: c.4831-2837G>A (NM_001144769.5); c.4930-2837G>A (NM_001374722.1, NM_001374736.1); c.4957-2837G>A (NM_001374734.1); c.4417-2837G>A (NM_001144770.2); c.4297-2837G>A (NM_001374730.1, NM_001386100.1, NM_183380.4 and 1 more transcripts); c.3319-2837G>A (NM_015548.5); short protein forms G2049E.
Identifiers: ClinVar variation 1467555 (VCV001467555.6), dbSNP rs1438973756, ClinGen allele CA364565772.